The following is an entry in ClinVar:

NM_001845.6(COL4A1):c.1056_1073dup (p.Arg355_Pro360dup)

Gene: COL4A1 (collagen type IV alpha 1 chain; minus strand). Cytogenetic location: 13q34.
Variant type: Duplication.
Coding change: c.1056_1073dup on transcript NM_001845.6 (MANE Select); coding-DNA positions 1056 to 1073, 18 bases duplicated (GGGGCCAAGAGGAGAGCC).
Protein change: p.Arg355_Pro360dup.
Molecular consequence: inframe insertion.
Genome position (GRCh38, 1-based): chr13:110,201,449-110,201,466, GGCTCTCCTCTTGGCCCC duplicated on the plus strand (GGGGCCAAGAGGAGAGCC on the coding strand, the reverse complement: COL4A1 is on the minus strand); duplicating any 18 consecutive bases within chr13:110,201,449-110,201,468 gives the same sequence; the c. name uses the placement nearest the transcript's 3' end. VCF-style (leftmost placement, unchanged base first): chr13-110201448-T-TGGCTCTCCTCTTGGCCCC. GRCh37 (hg19) VCF-style: chr13-110853795-T-TGGCTCTCCTCTTGGCCCC.
Other names: c.1056_1073dup, p.Arg355_Pro360dup (NM_001303110.2).
Identifiers: ClinVar variation 1374642 (VCV001374642.6), dbSNP rs2139191527, ClinGen allele CA2573149432.
Genomic context (GRCh38, chr13:110,201,448, plus strand): 5'-GAGAGAAGGAGGGGGAGTAGGAGGAGGGGGGAAAAAGGCAAGAAAGCTACCTTTTGGGCC[T>TGGCTCTCCTCTTGGCCCC]GGCTCTCCTCTTGGCCCCGGAGTTCCAGGGTAGCCCCTCTCTCCTTTTTCTCCCAAAGGT-3'

ClinVar aggregate classification (germline): Uncertain significance (1 of 4 stars; one submission).

Submission:

Labcorp Genetics (formerly Invitae), Labcorp
Classification: Uncertain significance. Last evaluated: 2021-08-12. Review status: criteria provided, single submitter. Criteria: Invitae Variant Classification Sherloc (09022015). Collection method: clinical testing. Allele origin: germline.
Comment: This variant, c.1056_1073dup, results in the insertion of 6 amino acid(s) to the COL4A1 protein (p.Arg355_Pro360dup), but otherwise preserves the integrity of the reading frame. This variant is not present in population databases (ExAC no frequency). This variant has not been reported in the literature in individuals affected with COL4A1-related conditions. Experimental studies and prediction algorithms are not available or were not evaluated, and the functional significance of this variant is currently unknown. In summary, the available evidence is currently insufficient to determine the role of this variant in disease. Therefore, it has been classified as a Variant of Uncertain Significance.